The following is an entry in ClinVar:

NM_144573.4(NEXN):c.1249G>A (p.Glu417Lys)

Gene: NEXN (nexilin F-actin binding protein; plus strand). Cytogenetic location: 1p31.1.
Variant type: single nucleotide variant.
Coding change: c.1249G>A on transcript NM_144573.4 (MANE Select); coding-DNA position 1249, G replaced by A.
Protein change: p.Glu417Lys; replaces glutamic acid 417 with lysine.
Molecular consequence: missense variant.
Genome position (GRCh38, 1-based): chr1:77,933,477, G>A. VCF-style: chr1-77933477-G-A. GRCh37 (hg19) VCF-style: chr1-78399162-G-A.
Other names: c.1057G>A, p.Glu353Lys (NM_001172309.2); short protein forms E417K, E353K.
Identifiers: ClinVar variation 1760235 (VCV001760235.3), dbSNP rs972000302, ClinGen allele CA24684369.

ClinVar aggregate classification (germline): Uncertain significance. Review status: criteria provided, multiple submitters, no conflicts (2 of 4 stars). 2 submissions from 2 submitters: Uncertain significance (2). Last evaluated 2022-06-29.

Conditions:
Cardiovascular phenotype. Identifiers: MedGen CN230736.

Allele frequency attached by ClinVar (database versions not stated): TOPMed 0.00001; gnomAD 0.00003.
gnomAD v4.1: 6 of 1,599,512 alleles (0.00038%); highest among the groups gnomAD compares: African/African-American, 0.0054%; no homozygotes.

Submissions (2):

GeneDx
Classification: Uncertain significance. Last evaluated: 2022-06-29. Review status: criteria provided, single submitter. Criteria: GeneDx Variant Classification Process June 2021. Collection method: clinical testing. Allele origin: germline. Affected: yes.
Comment: In silico analysis supports that this missense variant does not alter protein structure/function; Has not been previously published as pathogenic or benign to our knowledge

Ambry Genetics
Classification: Uncertain significance for Cardiovascular phenotype. Last evaluated: 2019-11-25. Review status: criteria provided, single submitter. Criteria: Ambry Variant Classification Scheme 2023. Collection method: clinical testing. Allele origin: germline.
Comment: The p.E417K variant (also known as c.1249G>A), located in coding exon 9 of the NEXN gene, results from a G to A substitution at nucleotide position 1249. The glutamic acid at codon 417 is replaced by lysine, an amino acid with similar properties. This amino acid position is well conserved in available vertebrate species. In addition, this alteration is predicted to be tolerated by in silico analysis. Since supporting evidence is limited at this time, the clinical significance of this alteration remains unclear.